The following is an entry in ClinVar:

NM_001040108.2(MLH3):c.1748A>T (p.Lys583Ile)

Gene: MLH3 (mutL homolog 3; minus strand). Cytogenetic location: 14q24.3.
Variant type: single nucleotide variant.
Coding change: c.1748A>T on transcript NM_001040108.2 (MANE Select); coding-DNA position 1748, A replaced by T.
Protein change: p.Lys583Ile; replaces lysine 583 with isoleucine.
Molecular consequence: missense variant.
Genome position (GRCh38, 1-based): chr14:75,047,908, T>A on the plus strand (A>T on the coding strand, the complement: MLH3 is on the minus strand). VCF-style: chr14-75047908-T-A. GRCh37 (hg19) VCF-style: chr14-75514611-T-A.
Other names: c.1748A>T, p.Lys583Ile (NM_014381.3); short protein forms K583I.
Identifiers: ClinVar variation 1779328 (VCV001779328.2), dbSNP rs2503287811, ClinGen allele CA390444463.
Genomic context (GRCh38, chr14:75,047,908, plus strand): 5'-AATTTAACTCGCCCATAACTAAAAACATTTCTTCTTCCACAATTGCTAGATTCTTTTTTT[T>A]TCTCTTTCTCTGTCTGAGCACTATGTACTCCCCATAATGTTGTTGCAAAAGGCAGAGGCT-3'
Protein context (NP_001035197.1, residues 573-593): GVHSAQTEKE[Lys583Ile]KKESSNCGRR

ClinVar aggregate classification (germline): Uncertain significance (1 of 4 stars; one submission).

Submission:

Ambry Genetics
Classification: Uncertain significance. Last evaluated: 2021-12-01. Review status: criteria provided, single submitter. Criteria: Ambry Variant Classification Scheme 2023. Collection method: clinical testing. Allele origin: germline.
Comment: The p.K583I variant (also known as c.1748A>T), located in coding exon 1 of the MLH3 gene, results from an A to T substitution at nucleotide position 1748. The lysine at codon 583 is replaced by isoleucine, an amino acid with dissimilar properties. This amino acid position is conserved. In addition, this alteration is predicted to be tolerated by in silico analysis. Since supporting evidence is limited at this time, the clinical significance of this alteration remains unclear.